The following is an entry in ClinVar:

NM_001134407.3(GRIN2A):c.2289T>G (p.Ile763Met)

Gene: GRIN2A (glutamate ionotropic receptor NMDA type subunit 2A; minus strand). Cytogenetic location: 16p13.2.
Variant type: single nucleotide variant.
Coding change: c.2289T>G on transcript NM_001134407.3 (MANE Select); coding-DNA position 2289, T replaced by G.
Protein change: p.Ile763Met; replaces isoleucine 763 with methionine.
Molecular consequence: missense variant.
Genome position (GRCh38, 1-based): chr16:9,798,344, A>C on the plus strand (T>G on the coding strand, the complement: GRIN2A is on the minus strand). VCF-style: chr16-9798344-A-C. GRCh37 (hg19) VCF-style: chr16-9892201-A-C.
Other names: c.2289T>G, p.Ile763Met (NM_000833.5, NM_001134408.2); short protein forms I763M.
Identifiers: ClinVar variation 1041575 (VCV001041575.9), dbSNP rs1903130042, ClinGen allele CA394797083.

ClinVar aggregate classification (germline): Pathogenic (1 of 4 stars; one submission).

Conditions:
Landau-Kleffner syndrome (FESD). Also called: APHASIA, ACQUIRED, WITH EPILEPSY; EPILEPSY, FOCAL, WITH SPEECH DISORDER AND WITH OR WITHOUT MENTAL RETARDATION. Identifiers: Orphanet 1945, Orphanet 725, Orphanet 98818, MedGen C0282512, MONDO:0009509, OMIM 245570.

Allele frequency attached by ClinVar (database versions not stated): gnomAD 0.00001.
gnomAD v4.1: 1 of 1,613,964 alleles (0.000062%); highest among the groups gnomAD compares: Non-Finnish European, 0.000085%; no homozygotes.

Submission:

Labcorp Genetics (formerly Invitae), Labcorp
Classification: Pathogenic for Landau-Kleffner syndrome. Last evaluated: 2022-07-28. Review status: criteria provided, single submitter. Criteria: Invitae Variant Classification Sherloc (09022015). Collection method: clinical testing. Allele origin: germline.
Comment: For these reasons, this variant has been classified as Pathogenic. Advanced modeling of protein sequence and biophysical properties (such as structural, functional, and spatial information, amino acid conservation, physicochemical variation, residue mobility, and thermodynamic stability) performed at Invitae indicates that this missense variant is expected to disrupt GRIN2A protein function. ClinVar contains an entry for this variant (Variation ID: 1041575). This missense change has been observed in individual(s) with clinical features of early infantile epileptic encephalopathy (Invitae). In at least one individual the variant was observed to be de novo. This variant is not present in population databases (gnomAD no frequency). This sequence change replaces isoleucine, which is neutral and non-polar, with methionine, which is neutral and non-polar, at codon 763 of the GRIN2A protein (p.Ile763Met).